The following is an entry in ClinVar:

NM_001709.5(BDNF):c.428G>A (p.Ser143Asn)

Genes: BDNF (brain derived neurotrophic factor; minus strand), BDNF-AS (BDNF antisense RNA; plus strand). Cytogenetic location: 11p14.1.
Variant type: single nucleotide variant.
Coding change: c.428G>A on transcript NM_001709.5 (MANE Select); coding-DNA position 428, G replaced by A.
Protein change: p.Ser143Asn; replaces serine 143 with asparagine.
Molecular consequence: missense variant.
Genome position (GRCh38, 1-based): chr11:27,658,137, C>T on the plus strand (G>A on the coding strand, the complement: BDNF is on the minus strand). VCF-style: chr11-27658137-C-T. GRCh37 (hg19) VCF-style: chr11-27679684-C-T.
Other names: c.428G>A, p.Ser143Asn (NM_001143805.1, NM_001143806.1, NM_001143807.2 and 9 more transcripts); c.515G>A, p.Ser172Asn (NM_001143809.2); c.674G>A, p.Ser225Asn (NM_001143810.2); c.452G>A, p.Ser151Asn (NM_170731.5); c.473G>A, p.Ser158Asn (NM_170734.4); short protein forms S158N, S151N, S172N, S225N, S143N.
Identifiers: ClinVar variation 4994509 (VCV004994509.1).

ClinVar aggregate classification (germline): Uncertain significance (1 of 4 stars; one submission).

Conditions:
BDNF-related disorder. Also called: BDNF-related condition.

Submission:

PreventionGenetics, part of Exact Sciences
Classification: Uncertain significance for BDNF-related condition. Last evaluated: 2025-10-17. Review status: criteria provided, single submitter. Criteria: ACMG Guidelines, 2015. Collection method: clinical testing. Allele origin: germline.
Comment: The BDNF c.674G>A variant is predicted to result in the amino acid substitution p.Ser225Asn. To our knowledge, this variant has not been reported in the literature or in a large population database (gnomAD), indicating this variant is rare. At this time, the clinical significance of this variant is uncertain due to the absence of conclusive functional and genetic evidence.